The following is an entry in ClinVar:

NM_000258.3(MYL3):c.100G>A (p.Glu34Lys)

Gene: MYL3 (myosin light chain 3; minus strand). Cytogenetic location: 3p21.31.
Variant type: single nucleotide variant.
Coding change: c.100G>A on transcript NM_000258.3 (MANE Select); coding-DNA position 100, G replaced by A.
Protein change: p.Glu34Lys; replaces glutamic acid 34 with lysine.
Molecular consequence: missense variant.
Genome position (GRCh38, 1-based): chr3:46,863,291, C>T on the plus strand (G>A on the coding strand, the complement: MYL3 is on the minus strand). VCF-style: chr3-46863291-C-T. GRCh37 (hg19) VCF-style: chr3-46904781-C-T.
Other names: c.100G>A, p.Glu34Lys (NM_001406937.1, NM_001406938.1, NM_001406939.1); short protein forms E34K.
Identifiers: ClinVar variation 1797502 (VCV001797502.8), dbSNP rs1702010735, ClinGen allele CA352499570.

ClinVar aggregate classification (germline): Uncertain significance. Review status: criteria provided, multiple submitters, no conflicts (2 of 4 stars). 3 submissions from 3 submitters: Uncertain significance (3). Last evaluated 2025-02-22.

Conditions:
Cardiovascular phenotype. Identifiers: MedGen CN230736.
Hypertrophic cardiomyopathy. Also called: HYPERTROPHIC MYOCARDIOPATHY. Identifiers: Orphanet 217569, MedGen C0007194, MeSH D002312, MONDO:0005045, HP:0001639.

Allele frequency attached by ClinVar (database versions not stated): gnomAD exomes below 0.00001; gnomAD 0.00001; TOPMed 0.00001.

Submissions (3):

Ambry Genetics
Classification: Uncertain significance for Cardiovascular phenotype. Last evaluated: 2025-02-22. Review status: criteria provided, single submitter. Criteria: Ambry Variant Classification Scheme 2023. Collection method: clinical testing. Allele origin: germline.

All of Us Research Program, National Institutes of Health
Classification: Uncertain significance for Hypertrophic cardiomyopathy. Last evaluated: 2024-08-06. Review status: criteria provided, single submitter. Criteria: ACMG Guidelines, 2015. Collection method: clinical testing. Allele origin: germline. Inheritance: Autosomal dominant inheritance. Observed: 5 variant alleles, 5 heterozygotes.
Comment: This missense variant replaces glutamic acid with lysine at codon 34 of the MYL3 protein. Computational prediction suggests that this variant may not impact protein structure and function (internally defined REVEL score threshold <= 0.5, PMID: 27666373). To our knowledge, functional studies have not been reported for this variant. This variant has not been reported in individuals affected with MYL3-related disorders in the literature. This variant has not been identified in the general population by the Genome Aggregation Database (gnomAD). The available evidence is insufficient to determine the role of this variant in disease conclusively. Therefore, this variant is classified as a Variant of Uncertain Significance.

This study involves interpretation of variants in research participants for the purpose of population health screening. Participant phenotype was not available at the time of variant classification. Additional details can be found in publication PMID: 35346344, PMCID: PMC8962531

Labcorp Genetics (formerly Invitae), Labcorp
Classification: Uncertain significance for Hypertrophic cardiomyopathy. Last evaluated: 2023-11-02. Review status: criteria provided, single submitter. Criteria: Invitae Variant Classification Sherloc (09022015). Collection method: clinical testing. Allele origin: germline.
Comment: This sequence change replaces glutamic acid, which is acidic and polar, with lysine, which is basic and polar, at codon 34 of the MYL3 protein (p.Glu34Lys). This variant is not present in population databases (gnomAD no frequency). This variant has not been reported in the literature in individuals affected with MYL3-related conditions. ClinVar contains an entry for this variant (Variation ID: 1797502). Experimental studies and prediction algorithms are not available or were not evaluated, and the functional significance of this variant is currently unknown. In summary, the available evidence is currently insufficient to determine the role of this variant in disease. Therefore, it has been classified as a Variant of Uncertain Significance.